The following is an entry in ClinVar:

ClinVar aggregate classification (germline): Uncertain significance (1 of 4 stars; one submission).

Conditions:
Bardet-Biedl syndrome (BBS). Identifiers: Orphanet 110, MedGen C0752166, MONDO:0015229.

Allele frequency attached by ClinVar (database versions not stated): gnomAD exomes below 0.00001.
gnomAD v4.1: 1 of 1,614,212 alleles (0.000062%); no homozygotes.

Submission:

Labcorp Genetics (formerly Invitae), Labcorp
Classification: Uncertain significance for Bardet-Biedl syndrome. Last evaluated: 2021-11-18. Review status: criteria provided, single submitter. Criteria: Invitae Variant Classification Sherloc (09022015). Collection method: clinical testing. Allele origin: germline.
Comment: In summary, the available evidence is currently insufficient to determine the role of this variant in disease. Therefore, it has been classified as a Variant of Uncertain Significance. Algorithms developed to predict the effect of missense changes on protein structure and function are either unavailable or do not agree on the potential impact of this missense change (SIFT: "Deleterious"; PolyPhen-2: "Possibly Damaging"; Align-GVGD: "Class C15"). This variant has not been reported in the literature in individuals affected with TRIM32-related conditions. This variant is not present in population databases (gnomAD no frequency). This sequence change replaces glycine, which is neutral and non-polar, with aspartic acid, which is acidic and polar, at codon 534 of the TRIM32 protein (p.Gly534Asp).

NM_012210.4(TRIM32):c.1601G>A (p.Gly534Asp)

Genes: ASTN2 (astrotactin 2; minus strand), TRIM32 (tripartite motif containing 32; plus strand). Cytogenetic location: 9q33.1.
Variant type: single nucleotide variant.
Coding change: c.1601G>A on transcript NM_012210.4 (MANE Select); coding-DNA position 1601, G replaced by A.
Protein change: p.Gly534Asp; replaces glycine 534 with aspartic acid.
Molecular consequence: missense variant. On other transcripts: intron variant (3).
Genome position (GRCh38, 1-based): chr9:116,699,343, G>A. VCF-style: chr9-116699343-G-A. GRCh37 (hg19) VCF-style: chr9-119461622-G-A.
Other names: c.1601G>A, p.Gly534Asp (NM_001099679.2, NM_001379048.1, NM_001379049.1 and 1 more transcripts); c.2653+26428C>T (NM_014010.5); c.2794+26428C>T (NM_001365069.1); c.2806+26428C>T (NM_001365068.1); short protein forms G534D.
Identifiers: ClinVar variation 1393886 (VCV001393886.6), dbSNP rs2132075369, ClinGen allele CA374652035.